The following is an entry in ClinVar:

NM_024809.5(TCTN2):c.1499A>G (p.Gln500Arg)

Gene: TCTN2 (tectonic family member 2; plus strand). Cytogenetic location: 12q24.31.
Variant type: single nucleotide variant.
Coding change: c.1499A>G on transcript NM_024809.5 (MANE Select); coding-DNA position 1499, A replaced by G.
Protein change: p.Gln500Arg; replaces glutamine 500 with arginine.
Molecular consequence: missense variant.
Genome position (GRCh38, 1-based): chr12:123,697,192, A>G. VCF-style: chr12-123697192-A-G. GRCh37 (hg19) VCF-style: chr12-124181739-A-G.
Other names: c.1496A>G, p.Gln499Arg (NM_001143850.3); short protein forms Q500R, Q499R.
Identifiers: ClinVar variation 1486354 (VCV001486354.8), dbSNP rs866607617, ClinGen allele CA245166471.

ClinVar aggregate classification (germline): Uncertain significance (1 of 4 stars; one submission).

Conditions:
Meckel-Gruber syndrome. Also called: DYSENCEPHALIA SPLANCHNOCYSTICA; GRUBER SYNDROME; Dysencephalia splachnocystica. Identifiers: Orphanet 564, MedGen C0265215, MONDO:0018921.
Joubert syndrome. Also called: CEREBELLOPARENCHYMAL DISORDER IV; JOUBERT-BOLTSHAUSER SYNDROME; Familial aplasia of the vermis. Identifiers: Orphanet 475, MedGen C5979921, MONDO:0018772.

Allele frequency attached by ClinVar (database versions not stated): gnomAD exomes below 0.00001.
gnomAD v4.1: 2 of 1,607,614 alleles (0.00012%); highest among the groups gnomAD compares: South Asian, 0.0011%; no homozygotes.

Submission:

Labcorp Genetics (formerly Invitae), Labcorp
Classification: Uncertain significance for Joubert syndrome; Meckel-Gruber syndrome. Last evaluated: 2021-01-28. Review status: criteria provided, single submitter. Criteria: Invitae Variant Classification Sherloc (09022015). Collection method: clinical testing. Allele origin: germline.
Comment: This sequence change replaces glutamine with arginine at codon 500 of the TCTN2 protein (p.Gln500Arg). The glutamine residue is moderately conserved and there is a small physicochemical difference between glutamine and arginine. This variant is not present in population databases (ExAC no frequency). This variant has not been reported in the literature in individuals with TCTN2-related conditions. Algorithms developed to predict the effect of missense changes on protein structure and function output the following: SIFT: "Tolerated"; PolyPhen-2: "Benign"; Align-GVGD: "Class C0". The arginine amino acid residue is found in multiple mammalian species, suggesting that this missense change does not adversely affect protein function. These predictions have not been confirmed by published functional studies and their clinical significance is uncertain. In summary, the available evidence is currently insufficient to determine the role of this variant in disease. Therefore, it has been classified as a Variant of Uncertain Significance.